The following is an entry in ClinVar:

NM_005751.5(AKAP9):c.2794G>A (p.Glu932Lys)

Gene: AKAP9 (A-kinase anchoring protein 9; plus strand). Cytogenetic location: 7q21.2.
Variant type: single nucleotide variant.
Coding change: c.2794G>A on transcript NM_005751.5 (MANE Select); coding-DNA position 2794, G replaced by A.
Protein change: p.Glu932Lys; replaces glutamic acid 932 with lysine.
Molecular consequence: missense variant.
Genome position (GRCh38, 1-based): chr7:92,002,711, G>A. VCF-style: chr7-92002711-G-A. GRCh37 (hg19) VCF-style: chr7-91632025-G-A.
Other names: c.2794G>A, p.Glu932Lys (NM_147185.3); short protein forms E932K.
Identifiers: ClinVar variation 3668256 (VCV003668256.3).

ClinVar aggregate classification (germline): Uncertain significance. Review status: criteria provided, multiple submitters, no conflicts (2 of 4 stars). 2 submissions from 2 submitters: Uncertain significance (2). Last evaluated 2025-10-01.

Conditions:
Cardiovascular phenotype. Identifiers: MedGen CN230736.
Long QT syndrome (LQTS). Identifiers: MedGen C0023976, MeSH D008133, MONDO:0002442. Disease mechanism: loss of function. Inheritance: Various modes of inheritance.

gnomAD v4.1: 87 of 1,613,632 alleles (0.0054%); highest among the groups gnomAD compares: Non-Finnish European, 0.0072%; 1 homozygote.

Submissions (2):

Ambry Genetics
Classification: Uncertain significance for Cardiovascular phenotype. Last evaluated: 2025-10-01. Review status: criteria provided, single submitter. Criteria: Ambry Variant Classification Scheme 2023. Collection method: clinical testing. Allele origin: germline.
Comment: The p.E932K variant (also known as c.2794G>A), located in coding exon 8 of the AKAP9 gene, results from a G to A substitution at nucleotide position 2794. The glutamic acid at codon 932 is replaced by lysine, an amino acid with similar properties. This amino acid position is conserved. In addition, this alteration is predicted to be tolerated by in silico analysis. Based on the available evidence, the clinical significance of this variant remains unclear.

Labcorp Genetics (formerly Invitae), Labcorp
Classification: Uncertain significance for Long QT syndrome. Last evaluated: 2024-07-24. Review status: criteria provided, single submitter. Criteria: Invitae Variant Classification Sherloc (09022015). Collection method: clinical testing. Allele origin: germline.
Comment: This sequence change replaces glutamic acid, which is acidic and polar, with lysine, which is basic and polar, at codon 932 of the AKAP9 protein (p.Glu932Lys). This variant is present in population databases (rs543078063, gnomAD 0.004%). This variant has not been reported in the literature in individuals affected with AKAP9-related conditions. An algorithm developed to predict the effect of missense changes on protein structure and function (PolyPhen-2) suggests that this variant is likely to be disruptive. In summary, the available evidence is currently insufficient to determine the role of this variant in disease. Therefore, it has been classified as a Variant of Uncertain Significance.